The following is an entry in ClinVar:

ClinVar aggregate classification (germline): Uncertain significance. Review status: criteria provided, multiple submitters, no conflicts (2 of 4 stars). 2 submissions from 2 submitters: Uncertain significance (2). Last evaluated 2022-04-09.

Conditions:
Muscular dystrophy-dystroglycanopathy (congenital with brain and eye anomalies), type a, 8 (MDDGA8). Also called: WALKER-WARBURG SYNDROME OR MUSCLE-EYE-BRAIN DISEASE, GTDC2-RELATED. Identifiers: Orphanet 899, MedGen C3553813, MONDO:0013904, OMIM 614830.

Allele frequency attached by ClinVar (database versions not stated): gnomAD 0.00001; TOPMed 0.00001; ExAC 0.00002; gnomAD exomes 0.00002 and 0.00005.

Submissions (2):

Labcorp Genetics (formerly Invitae), Labcorp
Classification: Uncertain significance for Muscular dystrophy-dystroglycanopathy (congenital with brain and eye anomalies), type a, 8. Last evaluated: 2022-04-09. Review status: criteria provided, single submitter. Criteria: Invitae Variant Classification Sherloc (09022015). Collection method: clinical testing. Allele origin: germline.
Comment: In summary, the available evidence is currently insufficient to determine the role of this variant in disease. Therefore, it has been classified as a Variant of Uncertain Significance. Algorithms developed to predict the effect of missense changes on protein structure and function (SIFT, PolyPhen-2, Align-GVGD) all suggest that this variant is likely to be disruptive. ClinVar contains an entry for this variant (Variation ID: 838447). This variant has not been reported in the literature in individuals affected with POMGNT2-related conditions. This variant is present in population databases (rs759226377, gnomAD 0.004%). This sequence change replaces proline, which is neutral and non-polar, with threonine, which is neutral and polar, at codon 250 of the POMGNT2 protein (p.Pro250Thr).

CeGaT Center for Human Genetics Tuebingen
Classification: Uncertain significance. Last evaluated: 2021-11-01. Review status: criteria provided, single submitter. Criteria: CeGaT Center For Human Genetics Tuebingen Variant Classification Criteria Version 2. Collection method: clinical testing. Allele origin: germline. Affected: yes. Observed: 1 variant allele.

NM_032806.6(POMGNT2):c.748C>A (p.Pro250Thr)

Gene: POMGNT2 (protein O-linked mannose N-acetylglucosaminyltransferase 2 (beta 1,4-); minus strand). Cytogenetic location: 3p22.1.
Variant type: single nucleotide variant.
Coding change: c.748C>A on transcript NM_032806.6 (MANE Select); coding-DNA position 748, C replaced by A.
Protein change: p.Pro250Thr; replaces proline 250 with threonine.
Molecular consequence: missense variant.
Genome position (GRCh38, 1-based): chr3:43,080,684, G>T on the plus strand (C>A on the coding strand, the complement: POMGNT2 is on the minus strand). VCF-style: chr3-43080684-G-T. GRCh37 (hg19) VCF-style: chr3-43122176-G-T.
Other names: short protein forms P250T.
Identifiers: ClinVar variation 838447 (VCV000838447.41), dbSNP rs759226377, ClinGen allele CA2340003.